The following is an entry in ClinVar:

ClinVar aggregate classification (germline): Uncertain significance (1 of 4 stars; one submission).

Conditions:
PLXNA3-related disorder. Also called: PLXNA3-related condition.

gnomAD v4.1: 90 of 1,208,797 alleles (0.0074%); highest among the groups gnomAD compares: Non-Finnish European, 0.0089%; no homozygotes.

Submission:

PreventionGenetics, part of Exact Sciences
Classification: Uncertain significance for PLXNA3-related condition. Last evaluated: 2026-08-02. Review status: criteria provided, single submitter. Criteria: ACMG Guidelines, 2015. Collection method: clinical testing. Allele origin: germline.
Comment: The PLXNA3 c.4626C>T variant is not predicted to result in an amino acid change (p.=). This variant is predicted to alter splicing based on available splicing prediction programs (SpliceAI, Jaganathan et al. 2019. PubMed ID: 30661751). However, the use of computer prediction programs is not equivalent to functional evidence. To our knowledge, this variant has not been reported in the literature. This variant is reported in 0.011% of alleles in individuals of Latino descent in gnomAD. At this time, the clinical significance of this variant is uncertain due to the absence of conclusive functional and genetic evidence.

NM_017514.5(PLXNA3):c.4626C>T (p.Ile1542=)

Gene: PLXNA3 (plexin A3; plus strand). Cytogenetic location: Xq28.
Variant type: single nucleotide variant.
Coding change: c.4626C>T on transcript NM_017514.5 (MANE Select); coding-DNA position 4626, C replaced by T.
Protein change: p.Ile1542=; no amino-acid change (isoleucine 1542 retained).
Molecular consequence: synonymous variant.
Genome position (GRCh38, 1-based): chrX:154,469,410, C>T. VCF-style: chrX-154469410-C-T. GRCh37 (hg19) VCF-style: chrX-153697753-C-T.
Identifiers: ClinVar variation 4981699 (VCV004981699.1).